The following is an entry in ClinVar:

ClinVar aggregate classification (germline): Uncertain significance (1 of 4 stars; one submission).

gnomAD v4.1: 22 of 1,604,090 alleles (0.0014%); highest among the groups gnomAD compares: Admixed American, 0.0034%; no homozygotes.

Submission:

GeneDx
Classification: Uncertain significance. Last evaluated: 2024-09-24. Review status: criteria provided, single submitter. Criteria: GeneDx Variant Classification Process June 2021. Collection method: clinical testing. Allele origin: germline. Affected: yes.
Comment: In silico analysis indicates that this missense variant does not alter protein structure/function; Has not been previously published as pathogenic or benign to our knowledge; Variants in candidate genes are classified as variants of uncertain significance in accordance with ACMG guidelines (PMID: 25741868)

NM_003086.4(SNAPC4):c.3701C>T (p.Pro1234Leu)

Gene: SNAPC4 (small nuclear RNA activating complex polypeptide 4; minus strand). Cytogenetic location: 9q34.3.
Variant type: single nucleotide variant.
Coding change: c.3701C>T on transcript NM_003086.4 (MANE Select); coding-DNA position 3701, C replaced by T.
Protein change: p.Pro1234Leu; replaces proline 1234 with leucine.
Molecular consequence: missense variant.
Genome position (GRCh38, 1-based): chr9:136,378,126, G>A on the plus strand (C>T on the coding strand, the complement: SNAPC4 is on the minus strand). VCF-style: chr9-136378126-G-A. GRCh37 (hg19) VCF-style: chr9-139272578-G-A.
Other names: c.3701C>T, p.Pro1234Leu (NM_001394201.1); c.3617C>T, p.Pro1206Leu (NM_001394202.1, NM_001394203.1); short protein forms P1206L, P1234L.
Identifiers: ClinVar variation 4530843 (VCV004530843.1).